The following is an entry in ClinVar:

NM_207122.2(EXT2):c.922T>C (p.Tyr308His)

Gene: EXT2 (exostosin glycosyltransferase 2; plus strand). Cytogenetic location: 11p11.2.
Variant type: single nucleotide variant.
Coding change: c.922T>C on transcript NM_207122.2 (MANE Select); coding-DNA position 922, T replaced by C.
Protein change: p.Tyr308His; replaces tyrosine 308 with histidine.
Molecular consequence: missense variant.
Genome position (GRCh38, 1-based): chr11:44,124,967, T>C. VCF-style: chr11-44124967-T-C. GRCh37 (hg19) VCF-style: chr11-44146517-T-C.
Other names: c.1021T>C, p.Tyr341His (NM_000401.3); c.922T>C, p.Tyr308His (NM_001178083.3, NM_001389628.1, NM_001389630.1); short protein forms Y308H, Y341H.
Identifiers: ClinVar variation 1320294 (VCV001320294.3), dbSNP rs2135015647, ClinGen allele CA380168681.

ClinVar aggregate classification (germline): Uncertain significance (1 of 4 stars; one submission).

Conditions:
Multiple congenital exostosis (EXT). Also called: Multiple osteochondromas; Hereditary multiple exostoses; Hereditary multiple exostosis; MULTIPLE CARTILAGINOUS EXOSTOSES; Hereditary multiple osteochondromas; Multiple exostoses. Identifiers: Orphanet 321, MedGen C0015306, MONDO:0005508, HP:0002762.

Submission:

St. Jude Molecular Pathology, St. Jude Children's Research Hospital
Classification: Uncertain significance for Multiple congenital exostosis. Last evaluated: 2021-10-28. Review status: criteria provided, single submitter. Criteria: St. Jude Assertion Criteria 2020. Collection method: clinical testing. Allele origin: germline.
Comment: The EXT2 c.1021T>C (p.Tyr341His) missense change is absent in gnomAD v2.1.1 (PM2_supporting). Seven of seven in silico tools predict a deleterious effect of this variant on protein function (PP3), but to our knowledge these predictions have not been confirmed by functional studies. To our knowledge, this variant has not been reported in individuals with hereditary multiple exostoses. In summary, this variant meets criteria to be classified as of uncertain significance based on the ACMG/AMP criteria: PM2_supporting, PP3.